The following is an entry in ClinVar:

NM_080680.3(COL11A2):c.2750A>T (p.Lys917Met)

Gene: COL11A2 (collagen type XI alpha 2 chain; minus strand). Cytogenetic location: 6p21.32.
Variant type: single nucleotide variant.
Coding change: c.2750A>T on transcript NM_080680.3 (MANE Select); coding-DNA position 2750, A replaced by T.
Protein change: p.Lys917Met; replaces lysine 917 with methionine.
Molecular consequence: missense variant.
Genome position (GRCh38, 1-based): chr6:33,173,100, T>A on the plus strand (A>T on the coding strand, the complement: COL11A2 is on the minus strand). VCF-style: chr6-33173100-T-A. GRCh37 (hg19) VCF-style: chr6-33140877-T-A.
Other names: c.2570A>T, p.Lys857Met (NM_001424108.1); c.1904A>T, p.Lys635Met (NM_001424109.1); c.1724A>T, p.Lys575Met (NM_001424110.1, NM_001424111.1); c.704A>T, p.Lys235Met (NM_001424112.1); c.2429A>T, p.Lys810Met (NM_080679.3); c.2492A>T, p.Lys831Met (NM_080681.3); short protein forms K235M, K575M, K635M, K810M, K831M, K857M, K917M.
Identifiers: ClinVar variation 4808881 (VCV004808881.1).

ClinVar aggregate classification (germline): Uncertain significance (1 of 4 stars; one submission).

Submission:

Labcorp Genetics (formerly Invitae), Labcorp
Classification: Uncertain significance. Last evaluated: 2025-09-17. Review status: criteria provided, single submitter. Criteria: Invitae Variant Classification Sherloc (09022015). Collection method: clinical testing. Allele origin: germline.
Comment: This sequence change replaces lysine, which is basic and polar, with methionine, which is neutral and non-polar, at codon 917 of the COL11A2 protein (p.Lys917Met). This variant is not present in population databases (gnomAD no frequency). This variant has not been reported in the literature in individuals affected with COL11A2-related conditions. Invitae Evidence Modeling of protein sequence and biophysical properties (such as structural, functional, and spatial information, amino acid conservation, physicochemical variation, residue mobility, and thermodynamic stability) indicates that this missense variant is not expected to disrupt COL11A2 protein function with a negative predictive value of 95%. In summary, the available evidence is currently insufficient to determine the role of this variant in disease. Therefore, it has been classified as a Variant of Uncertain Significance.